The following is an entry in ClinVar:

ClinVar aggregate classification (germline): Pathogenic (1 of 4 stars; one submission).

Conditions:
Cohen syndrome (COH1). Also called: PEPPER SYNDROME; Cutis verticis gyrata, retinitis pigmentosa, and sensorineural deafness. Identifiers: Orphanet 193, MedGen C0265223, MONDO:0008999, OMIM 216550.

Allele frequency attached by ClinVar (database versions not stated): gnomAD exomes below 0.00001.
gnomAD v4.1: 2 of 1,614,026 alleles (0.00012%); highest among the groups gnomAD compares: Non-Finnish European, 0.00017%; no homozygotes.

Submission:

Labcorp Genetics (formerly Invitae), Labcorp
Classification: Pathogenic for Cohen syndrome. Last evaluated: 2023-01-28. Review status: criteria provided, single submitter. Criteria: Invitae Variant Classification Sherloc (09022015). Collection method: clinical testing. Allele origin: germline.
Comment: For these reasons, this variant has been classified as Pathogenic. This variant has not been reported in the literature in individuals affected with VPS13B-related conditions. This variant is present in population databases (no rsID available, gnomAD 0.0009%). This sequence change creates a premature translational stop signal (p.Tyr2736*) in the VPS13B gene. It is expected to result in an absent or disrupted protein product. Loss-of-function variants in VPS13B are known to be pathogenic (PMID: 15141358, 16648375, 20461111).

Literature cited by the submitters: PubMed 15141358; PubMed 16648375; PubMed 20461111.

NM_152564.5(VPS13B):c.8133C>G (p.Tyr2711Ter)

Gene: VPS13B (vacuolar protein sorting 13 homolog B; plus strand). Cytogenetic location: 8q22.2.
Variant type: single nucleotide variant.
Coding change: c.8133C>G on transcript NM_152564.5 (MANE Select); coding-DNA position 8133, C replaced by G.
Protein change: p.Tyr2711Ter; replaces tyrosine 2711 with a stop codon.
Molecular consequence: nonsense.
Genome position (GRCh38, 1-based): chr8:99,817,575, C>G. VCF-style: chr8-99817575-C-G. GRCh37 (hg19) VCF-style: chr8-100829803-C-G.
Other names: c.8208C>G, p.Tyr2736Ter (NM_017890.5); short protein forms Y2736*, Y2711*.
Identifiers: ClinVar variation 2785809 (VCV002785809.3), dbSNP rs373542052, ClinGen allele CA371772418.